The following is an entry in ClinVar:

ClinVar aggregate classification (germline): Uncertain significance (1 of 4 stars; one submission).

Conditions:
Febrile seizures, familial, 11 (FEB11). Also called: CONVULSIONS, FAMILIAL FEBRILE, 11. Identifiers: MedGen C3280734, MONDO:0024566, OMIM 614418.

Submission:

Labcorp Genetics (formerly Invitae), Labcorp
Classification: Uncertain significance for Febrile seizures, familial, 11. Last evaluated: 2020-08-27. Review status: criteria provided, single submitter. Criteria: Invitae Variant Classification Sherloc (09022015). Collection method: clinical testing. Allele origin: germline.
Comment: In summary, the available evidence is currently insufficient to determine the role of this variant in disease. Therefore, it has been classified as a Variant of Uncertain Significance. Algorithms developed to predict the effect of missense changes on protein structure and function are either unavailable or do not agree on the potential impact of this missense change (SIFT: "Tolerated"; PolyPhen-2: "Probably Damaging"; Align-GVGD: "Class C0"). This variant has not been reported in the literature in individuals with CPA6-related conditions. This variant is not present in population databases (ExAC no frequency). This sequence change replaces valine with leucine at codon 347 of the CPA6 protein (p.Val347Leu). The valine residue is highly conserved and there is a small physicochemical difference between valine and leucine.

NM_020361.5(CPA6):c.1039G>C (p.Val347Leu)

Genes: ARFGEF1-DT (ARFGEF1 divergent transcript; plus strand), CPA6 (carboxypeptidase A6; minus strand). Cytogenetic location: 8q13.2.
Variant type: single nucleotide variant.
Coding change: c.1039G>C on transcript NM_020361.5 (MANE Select); coding-DNA position 1039, G replaced by C.
Protein change: p.Val347Leu; replaces valine 347 with leucine.
Molecular consequence: missense variant.
Genome position (GRCh38, 1-based): chr8:67,434,040, C>G on the plus strand (G>C on the coding strand, the complement: CPA6 is on the minus strand). VCF-style: chr8-67434040-C-G. GRCh37 (hg19) VCF-style: chr8-68346275-C-G.
Other names: short protein forms V347L.
Identifiers: ClinVar variation 1011400 (VCV001011400.8), dbSNP rs1810087622, ClinGen allele CA371260060.